The following is an entry in ClinVar:

ClinVar aggregate classification (germline): Likely benign. Review status: criteria provided, single submitter (1 of 4 stars). 2 submissions from 2 submitters: Likely benign (1). 1 of the submissions does not count toward it. Last evaluated 2021-09-22.

Conditions:
GPSM2-related disorder. Also called: GPSM2-related condition; GPSM2-related disorders.

Allele frequency attached by ClinVar (database versions not stated): gnomAD 0.00001; gnomAD exomes 0.00001 and 0.00002; TOPMed 0.00001; ExAC 0.00002.
gnomAD v4.1: 11 of 1,602,812 alleles (0.00069%); highest among the groups gnomAD compares: Non-Finnish European, 0.00034%; no homozygotes.

Submissions (2):

Labcorp Genetics (formerly Invitae), Labcorp
Classification: Likely benign. Last evaluated: 2021-09-22. Review status: criteria provided, single submitter. Criteria: Invitae Variant Classification Sherloc (09022015). Collection method: clinical testing. Allele origin: germline.

PreventionGenetics, part of Exact Sciences
Classification: Likely benign for GPSM2-related condition. Last evaluated: 2023-12-04. Review status: no assertion criteria provided. Collection method: clinical testing. Allele origin: germline. Not counted in ClinVar's aggregate classification.
Comment: This variant is classified as likely benign based on ACMG/AMP sequence variant interpretation guidelines (Richards et al. 2015 PMID: 25741868, with internal and published modifications).

NM_013296.5(GPSM2):c.1600+10C>T

Gene: GPSM2 (G protein signaling modulator 2; plus strand). Cytogenetic location: 1p13.3.
Variant type: single nucleotide variant.
Coding change: c.1600+10C>T on transcript NM_013296.5 (MANE Select); 10 bases into the intron after coding-DNA position 1600, C replaced by T.
Molecular consequence: intron variant.
Genome position (GRCh38, 1-based): chr1:108,922,586, C>T. VCF-style: chr1-108922586-C-T. GRCh37 (hg19) VCF-style: chr1-109465208-C-T.
Other names: c.1600+10C>T (NM_001321038.2, NM_001321039.3, NM_013296.4).
Identifiers: ClinVar variation 1621657 (VCV001621657.10), dbSNP rs772275332, ClinGen allele CA983100.
Genomic context (GRCh38, chr1:108,922,586, plus strand): 5'-ATACAGCTTCAACAACAACTTCTTCCACTCCCCCTAAAATGATGCTAAAAAGTAAGTCAT[C>T]TCTGTTTCTCCCCCGATTTTAATAGTTCTCTTTGATATTCTTGTGGCTTATTTCTGAGAA-3'